The following is an entry in ClinVar:

NM_001365276.2(TNXB):c.787C>T (p.Arg263Cys)

Gene: TNXB (tenascin XB; minus strand). Cytogenetic location: 6p21.33.
Variant type: single nucleotide variant.
Coding change: c.787C>T on transcript NM_001365276.2 (MANE Select); coding-DNA position 787, C replaced by T.
Protein change: p.Arg263Cys; replaces arginine 263 with cysteine.
Molecular consequence: missense variant.
Genome position (GRCh38, 1-based): chr6:32,097,066, G>A on the plus strand (C>T on the coding strand, the complement: TNXB is on the minus strand). VCF-style: chr6-32097066-G-A. GRCh37 (hg19) VCF-style: chr6-32064843-G-A.
Other names: c.787C>T, p.Arg263Cys (NM_001428335.1, NM_019105.8); c.787C>T (NM_019105.6); short protein forms R263C.
Identifiers: ClinVar variation 4536893 (VCV004536893.2).

ClinVar aggregate classification (germline): Conflicting classifications of pathogenicity. Review status: criteria provided, conflicting classifications (1 of 4 stars). 2 submissions from 2 submitters: Uncertain significance (1); Likely benign (1). Last evaluated 2026-01-21.

Conditions:
Cardiovascular phenotype. Identifiers: MedGen CN230736.

Submissions (2):

Ambry Genetics
Classification: Likely benign for Cardiovascular phenotype. Last evaluated: 2026-01-21. Review status: criteria provided, single submitter. Criteria: Ambry Variant Classification Scheme 2023. Collection method: clinical testing. Allele origin: germline.

Women's Health and Genetics/Laboratory Corporation of America, LabCorp
Classification: Uncertain significance. Last evaluated: 2025-11-10. Review status: criteria provided, single submitter. Criteria: LabCorp Variant Classification Summary - May 2015. Collection method: clinical testing. Allele origin: germline.
Comment: Variant summary: TNXB c.787C>T (p.Arg263Cys) results in a non-conservative amino acid change located in the EGF-like domain repeat (IPR000742) of the encoded protein sequence. Algorithms developed to predict the effect of missense changes on protein structure and function are either unavailable or do not agree on the potential impact of this missense change. The variant was absent in 248652 control chromosomes. The available data on variant occurrences in the general population are insufficient to allow any conclusion about variant significance. To our knowledge, no occurrence of c.787C>T in individuals affected with TNXB-related conditions and no experimental evidence demonstrating its impact on protein function have been reported. No submitters have cited clinical-significance assessments for this variant to ClinVar. Based on the evidence outlined above, the variant was classified as uncertain significance.